The following is an entry in ClinVar:

NM_002691.4(POLD1):c.2215T>C (p.Tyr739His)

Gene: POLD1 (DNA polymerase delta 1, catalytic subunit; plus strand). Cytogenetic location: 19q13.33.
Variant type: single nucleotide variant.
Coding change: c.2215T>C on transcript NM_002691.4 (MANE Select); coding-DNA position 2215, T replaced by C.
Protein change: p.Tyr739His; replaces tyrosine 739 with histidine.
Molecular consequence: missense variant. On other transcripts: non-coding transcript variant (1).
Genome position (GRCh38, 1-based): chr19:50,413,486, T>C. VCF-style: chr19-50413486-T-C. GRCh37 (hg19) VCF-style: chr19-50916743-T-C.
Other names: c.2215T>C, p.Tyr739His (NM_001256849.1); c.2293T>C, p.Tyr765His (NM_001308632.1); short protein forms Y765H, Y739H.
Identifiers: ClinVar variation 2838587 (VCV002838587.3), dbSNP rs2514035916, ClinGen allele CA406983698.

ClinVar aggregate classification (germline): Uncertain significance (1 of 4 stars; one submission).

Conditions:
POLD1-related polyposis and colorectal cancer syndrome (CRCS10). Also called: Colorectal cancer 10; COLORECTAL CANCER, SUSCEPTIBILITY TO, ON CHROMOSOME 19q; Colorectal cancer, susceptibility to, 10. Identifiers: Orphanet 220460, MedGen C2675481, MONDO:0012953, OMIM 612591.

Submission:

Labcorp Genetics (formerly Invitae), Labcorp
Classification: Uncertain significance for POLD1-related polyposis and colorectal cancer syndrome. Last evaluated: 2023-10-24. Review status: criteria provided, single submitter. Criteria: Invitae Variant Classification Sherloc (09022015). Collection method: clinical testing. Allele origin: germline.
Comment: This sequence change replaces tyrosine, which is neutral and polar, with histidine, which is basic and polar, at codon 739 of the POLD1 protein (p.Tyr739His). This variant is not present in population databases (gnomAD no frequency). This variant has not been reported in the literature in individuals affected with POLD1-related conditions. Advanced modeling of protein sequence and biophysical properties (such as structural, functional, and spatial information, amino acid conservation, physicochemical variation, residue mobility, and thermodynamic stability) performed at Invitae indicates that this missense variant is expected to disrupt POLD1 protein function with a positive predictive value of 80%. In summary, the available evidence is currently insufficient to determine the role of this variant in disease. Therefore, it has been classified as a Variant of Uncertain Significance.